The following is an entry in ClinVar:

NM_001084.5(PLOD3):c.1919C>T (p.Pro640Leu)

Gene: PLOD3 (procollagen-lysine,2-oxoglutarate 5-dioxygenase 3; minus strand). Cytogenetic location: 7q22.1.
Variant type: single nucleotide variant.
Coding change: c.1919C>T on transcript NM_001084.5 (MANE Select); coding-DNA position 1919, C replaced by T.
Protein change: p.Pro640Leu; replaces proline 640 with leucine.
Molecular consequence: missense variant.
Genome position (GRCh38, 1-based): chr7:101,207,594, G>A on the plus strand (C>T on the coding strand, the complement: PLOD3 is on the minus strand). VCF-style: chr7-101207594-G-A. GRCh37 (hg19) VCF-style: chr7-100850875-G-A.
Other names: short protein forms P640L.
Identifiers: ClinVar variation 1944151 (VCV001944151.5), dbSNP rs2535158304, ClinGen allele CA368610475.

ClinVar aggregate classification (germline): Uncertain significance (1 of 4 stars; one submission).

Submission:

Labcorp Genetics (formerly Invitae), Labcorp
Classification: Uncertain significance. Last evaluated: 2022-05-15. Review status: criteria provided, single submitter. Criteria: Invitae Variant Classification Sherloc (09022015). Collection method: clinical testing. Allele origin: germline.
Comment: In summary, the available evidence is currently insufficient to determine the role of this variant in disease. Therefore, it has been classified as a Variant of Uncertain Significance. Algorithms developed to predict the effect of missense changes on protein structure and function (SIFT, PolyPhen-2, Align-GVGD) all suggest that this variant is likely to be tolerated. This variant has not been reported in the literature in individuals affected with PLOD3-related conditions. This variant is not present in population databases (gnomAD no frequency). This sequence change replaces proline, which is neutral and non-polar, with leucine, which is neutral and non-polar, at codon 640 of the PLOD3 protein (p.Pro640Leu).